The following is an entry in ClinVar:

NM_006206.6(PDGFRA):c.743C>T (p.Thr248Ile)

Gene: PDGFRA (platelet derived growth factor receptor alpha; plus strand). Cytogenetic location: 4q12.
Variant type: single nucleotide variant.
Coding change: c.743C>T on transcript NM_006206.6 (MANE Select); coding-DNA position 743, C replaced by T.
Protein change: p.Thr248Ile; replaces threonine 248 with isoleucine.
Molecular consequence: missense variant.
Genome position (GRCh38, 1-based): chr4:54,265,033, C>T. VCF-style: chr4-54265033-C-T. GRCh37 (hg19) VCF-style: chr4-55131200-C-T.
Other names: c.743C>T, p.Thr248Ile (NM_001347827.2, NM_001347829.2); c.818C>T, p.Thr273Ile (NM_001347828.2); c.782C>T, p.Thr261Ile (NM_001347830.2); short protein forms T248I, T273I, T261I.
Identifiers: ClinVar variation 5026434 (VCV005026434.1).

ClinVar aggregate classification (germline): Uncertain significance (1 of 4 stars; one submission).

Conditions:
Hereditary cancer-predisposing syndrome. Also called: Neoplastic Syndromes, Hereditary; Tumor predisposition; Hereditary neoplastic syndrome; Hereditary Cancer Syndrome. Identifiers: Orphanet 140162, MedGen C0027672, MeSH D009386, MONDO:0015356.

Submission:

Ambry Genetics
Classification: Uncertain significance for Hereditary cancer-predisposing syndrome. Last evaluated: 2026-07-07. Review status: criteria provided, single submitter. Criteria: Ambry Variant Classification Scheme 2023. Collection method: clinical testing. Allele origin: germline.
Comment: The p.T248I variant (also known as c.743C>T), located in coding exon 4 of the PDGFRA gene, results from a C to T substitution at nucleotide position 743. The threonine at codon 248 is replaced by isoleucine, an amino acid with similar properties. This amino acid position is conserved. In addition, this alteration is predicted to be tolerated by in silico analysis. Based on the available evidence, the clinical significance of this variant remains unclear.